The following is an entry in ClinVar:

NM_012123.4(MTO1):c.1616C>A (p.Thr539Asn)

Gene: MTO1 (mitochondrial tRNA translation optimization 1; plus strand). Cytogenetic location: 6q13.
Variant type: single nucleotide variant.
Coding change: c.1616C>A on transcript NM_012123.4 (MANE Select); coding-DNA position 1616, C replaced by A.
Protein change: p.Thr539Asn; replaces threonine 539 with asparagine.
Molecular consequence: missense variant.
Genome position (GRCh38, 1-based): chr6:73,482,599, C>A. VCF-style: chr6-73482599-C-A. GRCh37 (hg19) VCF-style: chr6-74192322-C-A.
Other names: c.1736C>A, p.Thr579Asn (NM_001123226.2); c.1691C>A, p.Thr564Asn (NM_133645.3); c.1616C>A (NM_012123.3); short protein forms T564N, T579N, T539N.
Identifiers: ClinVar variation 2152643 (VCV002152643.5), dbSNP rs770538630, ClinGen allele CA3889689.

ClinVar aggregate classification (germline): Uncertain significance. Review status: criteria provided, multiple submitters, no conflicts (2 of 4 stars). 2 submissions from 2 submitters: Uncertain significance (2). Last evaluated 2025-04-11.

Conditions:
Mitochondrial hypertrophic cardiomyopathy with lactic acidosis due to MTO1 deficiency. Also called: CARDIOMYOPATHY, INFANTILE HYPERTROPHIC MITOCHONDRIAL, AND LACTIC ACIDOSIS; Combined oxidative phosphorylation deficiency 10. Identifiers: Orphanet 314637, MedGen C4749921, MONDO:0013865, OMIM 614702.

Allele frequency attached by ClinVar (database versions not stated): ExAC 0.00006.
gnomAD v4.1: 15 of 1,603,950 alleles (0.00094%); highest among the groups gnomAD compares: Non-Finnish European, 0.0012%; no homozygotes.

Submissions (2):

GeneDx
Classification: Uncertain significance. Last evaluated: 2025-04-11. Review status: criteria provided, single submitter. Criteria: GeneDx Variant Classification Process June 2021. Collection method: clinical testing. Allele origin: germline. Affected: yes.
Comment: Not observed at significant frequency in large population cohorts (gnomAD); In silico analysis indicates that this missense variant does not alter protein structure/function; Has not been previously published as pathogenic or benign to our knowledge

Labcorp Genetics (formerly Invitae), Labcorp
Classification: Uncertain significance for Mitochondrial hypertrophic cardiomyopathy with lactic acidosis due to MTO1 deficiency. Last evaluated: 2022-02-13. Review status: criteria provided, single submitter. Criteria: Invitae Variant Classification Sherloc (09022015). Collection method: clinical testing. Allele origin: germline.
Comment: This variant is present in population databases (rs770538630, gnomAD 0.006%). This sequence change replaces threonine, which is neutral and polar, with asparagine, which is neutral and polar, at codon 539 of the MTO1 protein (p.Thr539Asn). This variant has not been reported in the literature in individuals affected with MTO1-related conditions. Algorithms developed to predict the effect of missense changes on protein structure and function (SIFT, PolyPhen-2, Align-GVGD) all suggest that this variant is likely to be tolerated. In summary, the available evidence is currently insufficient to determine the role of this variant in disease. Therefore, it has been classified as a Variant of Uncertain Significance.